The following is an entry in ClinVar:

ClinVar aggregate classification (germline): Pathogenic. Review status: criteria provided, multiple submitters, no conflicts (2 of 4 stars). 2 submissions from 2 submitters: Pathogenic (2). Last evaluated 2025-11-20.

Conditions:
Cardiovascular phenotype. Identifiers: MedGen CN230736.
Arrhythmogenic cardiomyopathy with wooly hair and keratoderma. Also called: Dilated cardiomyopathy with woolly hair and keratoderma; Arrhythmogenic cardiomyopathy with woolly hair and keratoderma; PALMOPLANTAR KERATODERMA WITH LEFT VENTRICULAR CARDIOMYOPATHY AND WOOLLY HAIR; Carvajal syndrome. Identifiers: Orphanet 65282, MedGen C1854063, MONDO:0011581, OMIM 605676.
Arrhythmogenic right ventricular dysplasia 8 (ARVD8). Also called: Arrhythmogenic Right Ventricular Dysplasia/Cardiomyopathy 8; ARRHYTHMOGENIC RIGHT VENTRICULAR DYSPLASIA, FAMILIAL, 8; ARRHYTHMOGENIC RIGHT VENTRICULAR CARDIOMYOPATHY 8. Identifiers: MedGen C1843896, MONDO:0011831, OMIM 607450.

Submissions (2):

Ambry Genetics
Classification: Pathogenic for Cardiovascular phenotype. Last evaluated: 2025-11-20. Review status: criteria provided, single submitter. Criteria: Ambry Variant Classification Scheme 2023. Collection method: clinical testing. Allele origin: germline.
Comment: The c.924delA pathogenic mutation, located in coding exon 7 of the DSP gene, results from a deletion of one nucleotide at nucleotide position 924, causing a translational frameshift with a predicted alternate stop codon (p.K308Nfs*9). This variant is considered to be rare based on population cohorts in the Genome Aggregation Database (gnomAD). This alteration is expected to result in loss of function by premature protein truncation or nonsense-mediated mRNA decay. As such, this alteration is interpreted as a disease-causing mutation.

Labcorp Genetics (formerly Invitae), Labcorp
Classification: Pathogenic for Arrhythmogenic cardiomyopathy with wooly hair and keratoderma; Arrhythmogenic right ventricular dysplasia 8. Last evaluated: 2025-09-02. Review status: criteria provided, single submitter. Criteria: Invitae Variant Classification Sherloc (09022015). Collection method: clinical testing. Allele origin: germline.
Comment: This sequence change creates a premature translational stop signal (p.Lys308Asnfs*9) in the DSP gene. It is expected to result in an absent or disrupted protein product. Loss-of-function variants in DSP are known to be pathogenic (PMID: 20716751, 24503780, 25227139). This variant is not present in population databases (gnomAD no frequency). This variant has not been reported in the literature in individuals affected with DSP-related conditions. For these reasons, this variant has been classified as Pathogenic.

Literature cited by the submitters: PubMed 20716751 (cited by Labcorp Genetics (formerly Invitae), Labcorp); PubMed 24503780 (cited by Labcorp Genetics (formerly Invitae), Labcorp); PubMed 25227139 (cited by Labcorp Genetics (formerly Invitae), Labcorp).

NM_004415.4(DSP):c.924del (p.Lys308fs)

Gene: DSP (desmoplakin; plus strand). Cytogenetic location: 6p24.3.
Variant type: Deletion.
Coding change: c.924del on transcript NM_004415.4 (MANE Select); coding-DNA position 924, one base deleted (A; older notation c.924delA).
Protein change: p.Lys308fs; shifts the reading frame from lysine 308.
Molecular consequence: frameshift variant.
Genome position (GRCh38, 1-based): chr6:7,565,505, A deleted; the last of 3 consecutive A bases (chr6:7,565,503-7,565,505); deleting any one gives the same sequence. VCF-style (leftmost placement, unchanged base first): chr6-7565502-GA-G. GRCh37 (hg19) VCF-style: chr6-7565735-GA-G.
Other names: c.924del, p.Lys308fs (NM_001008844.3, NM_001319034.2, NM_001406591.1); short protein forms K308fs.
Identifiers: ClinVar variation 4614043 (VCV004614043.2).